The following is an entry in ClinVar:

NM_000256.3(MYBPC3):c.836G>C (p.Gly279Ala)

Gene: MYBPC3 (myosin binding protein C3; minus strand). Cytogenetic location: 11p11.2.
Variant type: single nucleotide variant.
Coding change: c.836G>C on transcript NM_000256.3 (MANE Select); coding-DNA position 836, G replaced by C.
Protein change: p.Gly279Ala; replaces glycine 279 with alanine.
Molecular consequence: missense variant.
Genome position (GRCh38, 1-based): chr11:47,347,666, C>G on the plus strand (G>C on the coding strand, the complement: MYBPC3 is on the minus strand). VCF-style: chr11-47347666-C-G. GRCh37 (hg19) VCF-style: chr11-47369217-C-G.
Other names: short protein forms G279A.
Identifiers: ClinVar variation 42798 (VCV000042798.32), dbSNP rs375774648, ClinGen allele CA015936.
Genomic context (GRCh38, chr11:47,347,666, plus strand): 5'-CTGGGGGTCTGCGGATGGTGCAGGTAGGGCCTGGGGCAGGGGTACCTGATCCGCCGACCA[C>G]CTCCAGCCAGGCTCCTGTGGGGGTTAGACTCAGTATCCTCACCTGCCTGGGAAGCTTGCT-3'
Protein context (NP_000247.2, residues 269-289): SAFRRTSLAG[Gly279Ala]GRRISDSHED

ClinVar aggregate classification (germline): Conflicting classifications of pathogenicity. Review status: criteria provided, conflicting classifications (1 of 4 stars). 16 submissions from 16 submitters: Uncertain significance (12); Likely benign (1). 3 of the submissions do not count toward it. Last evaluated 2026-06-09.

Conditions:
MYBPC3-related disorder. Also called: MYBPC3-related disorders; MYBPC3-related condition; MYBPC3-related disease.
Hypertrophic cardiomyopathy 4. Also called: Familial hypertrophic cardiomyopathy 4. Identifiers: MedGen C1861862, MONDO:0007268, OMIM 115197.
Left ventricular noncompaction 10 (LVNC10). Identifiers: Orphanet 154, Orphanet 54260, MedGen C3715165, MONDO:0014163, OMIM 615396.
Cardiovascular phenotype. Identifiers: MedGen CN230736.
Cardiomyopathy (CMYO). Also called: Cardiomyopathies. Identifiers: Orphanet 167848, MedGen C0878544, MONDO:0004994, HP:0001638. Inheritance: Various modes of inheritance.
Primary familial hypertrophic cardiomyopathy (HCM). Identifiers: Orphanet 99739, MedGen C0949658, MeSH D024741, MONDO:0024573. Inheritance: Various modes of inheritance.
Hypertrophic cardiomyopathy. Also called: HYPERTROPHIC MYOCARDIOPATHY. Identifiers: Orphanet 217569, MedGen C0007194, MeSH D002312, MONDO:0005045, HP:0001639.

Allele frequency attached by ClinVar (database versions not stated): ExAC below 0.00001; gnomAD exomes 0.00002; gnomAD 0.00004 and 0.00005; TOPMed 0.00006; ESP Exome Variant Server 0.00008.
gnomAD v4.1: 33 of 1,574,236 alleles (0.0021%); highest among the groups gnomAD compares: Middle Eastern, 0.035%; no homozygotes.

Submissions 1 to 10 of 16:

PreventionGenetics, part of Exact Sciences
Classification: Uncertain significance for MYBPC3-related condition. Last evaluated: 2026-06-09. Review status: criteria provided, single submitter. Criteria: ACMG Guidelines, 2015. Collection method: clinical testing. Allele origin: germline.
Comment: The MYBPC3 c.836G>C variant is predicted to result in the amino acid substitution p.Gly279Ala. This variant was reported in individuals with hypertrophic cardiomyopathy, dilated cardiomyopathy, or sudden unexplained deaths (Richard et al. 2003. PubMed ID: 12707239; Table S2, Daoud et al. 2019. PubMed ID: 30731207; Sousa et al. 2019. PubMed ID: 30871747; Martinez-Matilla et al. 2019. PubMed ID: 31376648; Table S2, Robyns et al. 2020. PubMed ID: 31513939). However, this variant was also detected along with other MYBPC3 pathogenic variants, p.Glu258Lys or p.Gln76*, in affected individuals (Millat et al. 2010. PubMed ID: 20624503; Lopes et al. 2014. PubMed ID: 25127965). This variant is reported in 0.0053% of alleles in individuals of European. At this time, the clinical significance of this variant is uncertain due to the absence of conclusive functional and genetic evidence.

Molecular Diagnostic Laboratory for Inherited Cardiovascular Disease, Montreal Heart Institute
Classification: Uncertain significance for Cardiovascular phenotype. Last evaluated: 2025-04-09. Review status: criteria provided, single submitter. Criteria: ACMG Guidelines, 2015. Collection method: clinical testing. Allele origin: germline. Affected: yes.
Comment: PM2, BP4

Ambry Genetics
Classification: Uncertain significance for Cardiovascular phenotype. Last evaluated: 2025-02-27. Review status: criteria provided, single submitter. Criteria: Ambry Variant Classification Scheme 2023. Collection method: clinical testing. Allele origin: germline.
Comment: The p.G279A variant (also known as c.836G>C), located in coding exon 8 of the MYBPC3 gene, results from a G to C substitution at nucleotide position 836. The glycine at codon 279 is replaced by alanine, an amino acid with similar properties. This alteration has been reported in hypertrophic cardiomyopathy (HCM) cohorts; however, clinical details were limited (Richard P et al. Circulation, 2003 May;107:2227-32; Millat G et al. Eur J Med Genet, 2010 Jul;53:261-7; Robyns T et al. Eur J Med Genet, 2020 Mar;63:103754). Additionally, this variant has also been described in dilated cardiomyopathy (DCM), left ventricular outflow tract obstruction, and drug-induced sudden unexplained death cohorts (Lopes LR et al. Int J Cardiol, 2014 Oct;176:1264-7; Cardoso B et al. Rev Port Cardiol, 2017 Mar;36:155-165; Martinez-Matilla M et al. Forensic Sci Int Genet, 2019 09;42:203-212; Sousa A et al. Rev Port Cardiol, 2019 02;38:129-139). This amino acid position is well conserved in available vertebrate species. In addition, this alteration is predicted to be tolerated by in silico analysis. Based on the available evidence, the clinical significance of this alteration remains unclear.

Labcorp Genetics (formerly Invitae), Labcorp
Classification: Uncertain significance for Hypertrophic cardiomyopathy. Last evaluated: 2025-01-01. Review status: criteria provided, single submitter. Criteria: Invitae Variant Classification Sherloc (09022015). Collection method: clinical testing. Allele origin: germline.
Comment: This sequence change replaces glycine, which is neutral and non-polar, with alanine, which is neutral and non-polar, at codon 279 of the MYBPC3 protein (p.Gly279Ala). This variant is present in population databases (rs375774648, gnomAD 0.005%). This missense change has been observed in individual(s) with hypertrophic cardiomyopathy or dilated cardiomyopathy (PMID: 30731207, 30871747, 31513939, 37652022, 37937776). ClinVar contains an entry for this variant (Variation ID: 42798). An algorithm developed to predict the effect of missense changes on protein structure and function outputs the following: PolyPhen-2: "Benign". The alanine amino acid residue is found in multiple mammalian species, which suggests that this missense change does not adversely affect protein function. In summary, the available evidence is currently insufficient to determine the role of this variant in disease. Therefore, it has been classified as a Variant of Uncertain Significance.

Mayo Clinic Laboratories, Mayo Clinic
Classification: Uncertain significance. Last evaluated: 2024-08-29. Review status: criteria provided, single submitter. Criteria: ACMG Guidelines, 2015. Collection method: clinical testing. Allele origin: germline. Observed: 2 variant alleles.

All of Us Research Program, National Institutes of Health
Classification: Uncertain significance for Hypertrophic cardiomyopathy. Last evaluated: 2024-07-20. Review status: criteria provided, single submitter. Criteria: ACMG Guidelines, 2015. Collection method: clinical testing. Allele origin: germline. Inheritance: Autosomal dominant inheritance. Observed: 9 variant alleles, 9 heterozygotes.
Comment: This missense variant replaces glycine with alanine at codon 279 of the MYBPC3 protein. Computational prediction tools indicate that this variant has a neutral impact on protein structure and function. To our knowledge, functional studies have not been reported for this variant. This variant has been reported in individuals affected with hypertrophic cardiomyopathy (PMID: 20624503, 31513939, 33495597; Lopes 2020). One of these individuals also carried a pathogenic truncation variant in the same gene (PMID: 20624503). This variant has also been reported in one individual affected with dilated cardiomyopathy (PMID: 30871747), and in one individual affected with sudden cardiac death (PMID: 31376648). Additionally, it has been reported in one individual affected with left ventricular outflow tract obstruction who also carried another pathogenic variant in the same gene (PMID: 25127965). This variant has been identified in 7/218120 chromosomes in the general population by the Genome Aggregation Database (gnomAD). The available evidence is insufficient to determine the role of this variant in disease conclusively. Therefore, this variant is classified as a Variant of Uncertain Significance.

This study involves interpretation of variants in research participants for the purpose of population health screening. Participant phenotype was not available at the time of variant classification. Additional details can be found in publication PMID: 35346344, PMCID: PMC8962531

Blueprint Genetics
Classification: Likely benign. Last evaluated: 2024-05-02. Review status: criteria provided, single submitter. Criteria: ACMG Guidelines, 2015. Collection method: clinical testing. Allele origin: germline.

Color Diagnostics, LLC DBA Color Health
Classification: Uncertain significance for Cardiomyopathy. Last evaluated: 2024-04-15. Review status: criteria provided, single submitter. Criteria: ACMG Guidelines, 2015. Collection method: clinical testing. Allele origin: germline.
Comment: This missense variant replaces glycine with alanine at codon 279 of the MYBPC3 protein. Computational prediction tools indicate that this variant has a neutral impact on protein structure and function. To our knowledge, functional studies have not been reported for this variant. This variant has been reported in individuals affected with hypertrophic cardiomyopathy (PMID: 20624503, 31513939, 33495597; Lopes 2020). One of these individuals also carried a pathogenic truncation variant in the same gene (PMID: 20624503). This variant has also been reported in one individual affected with dilated cardiomyopathy (PMID: 30871747), and in one individual affected with sudden cardiac death (PMID: 31376648). Additionally, it has been reported in one individual affected with left ventricular outflow tract obstruction who also carried another pathogenic variant in the same gene (PMID: 25127965). This variant has been identified in 7/218120 chromosomes in the general population by the Genome Aggregation Database (gnomAD). The available evidence is insufficient to determine the role of this variant in disease conclusively. Therefore, this variant is classified as a Variant of Uncertain Significance.

Department of Pathology and Laboratory Medicine, Sinai Health System
Classification: Uncertain significance for Hypertrophic cardiomyopathy 4; Left ventricular noncompaction 10. Last evaluated: 2022-04-08. Review status: criteria provided, single submitter. Criteria: ACMG Guidelines, 2015. Collection method: research. Allele origin: germline.

CHEO Genetics Diagnostic Laboratory, Children's Hospital of Eastern Ontario
Classification: Uncertain significance for Cardiomyopathy. Last evaluated: 2021-08-09. Review status: criteria provided, single submitter. Criteria: ACMG Guidelines, 2015. Collection method: clinical testing. Allele origin: germline.